The following is an entry in ClinVar:

NM_020754.4(ARHGAP31):c.1168G>A (p.Asp390Asn)

Gene: ARHGAP31 (Rho GTPase activating protein 31; plus strand). Cytogenetic location: 3q13.33.
Variant type: single nucleotide variant.
Coding change: c.1168G>A on transcript NM_020754.4 (MANE Select); coding-DNA position 1168, G replaced by A.
Protein change: p.Asp390Asn; replaces aspartic acid 390 with asparagine.
Molecular consequence: missense variant.
Genome position (GRCh38, 1-based): chr3:119,401,920, G>A. VCF-style: chr3-119401920-G-A. GRCh37 (hg19) VCF-style: chr3-119120767-G-A.
Other names: short protein forms D390N.
Identifiers: ClinVar variation 4082826 (VCV004082826.1).

ClinVar aggregate classification (germline): Uncertain significance (1 of 4 stars; one submission).

Submission:

GeneDx
Classification: Uncertain significance. Last evaluated: 2025-03-07. Review status: criteria provided, single submitter. Criteria: GeneDx Variant Classification Process June 2021. Collection method: clinical testing. Allele origin: germline. Affected: yes.
Comment: Not observed at significant frequency in large population cohorts (gnomAD); In silico analysis indicates that this missense variant does not alter protein structure/function; Has not been previously published as pathogenic or benign to our knowledge